The following is an entry in ClinVar:

ClinVar aggregate classification (germline): Pathogenic (1 of 4 stars; one submission).

Submission:

Labcorp Genetics (formerly Invitae), Labcorp
Classification: Pathogenic. Last evaluated: 2024-04-09. Review status: criteria provided, single submitter. Criteria: Invitae Variant Classification Sherloc (09022015). Collection method: clinical testing. Allele origin: germline.
Comment: This sequence change replaces glycine, which is neutral and non-polar, with arginine, which is basic and polar, at codon 102 of the PHEX protein (p.Gly102Arg). This variant is not present in population databases (gnomAD no frequency). This missense change has been observed in individual(s) with hypophosphatemic rickets (PMID: 27840894, 30682568; Invitae). It has also been observed to segregate with disease in related individuals. ClinVar contains an entry for this variant (Variation ID: 838440). Advanced modeling of protein sequence and biophysical properties (such as structural, functional, and spatial information, amino acid conservation, physicochemical variation, residue mobility, and thermodynamic stability) performed at Invitae indicates that this missense variant is expected to disrupt PHEX protein function with a positive predictive value of 95%. For these reasons, this variant has been classified as Pathogenic.

Literature cited by the submitters: PubMed 27840894; PubMed 30682568.

NM_000444.6(PHEX):c.304G>A (p.Gly102Arg)

Gene: PHEX (phosphate regulating endopeptidase X-linked; plus strand). Cytogenetic location: Xp22.11.
Variant type: single nucleotide variant.
Coding change: c.304G>A on transcript NM_000444.6 (MANE Select); coding-DNA position 304, G replaced by A.
Protein change: p.Gly102Arg; replaces glycine 102 with arginine.
Molecular consequence: missense variant.
Genome position (GRCh38, 1-based): chrX:22,047,166, G>A. VCF-style: chrX-22047166-G-A. GRCh37 (hg19) VCF-style: chrX-22065284-G-A.
Other names: c.304G>A, p.Gly102Arg (NM_001282754.2); short protein forms G102R.
Identifiers: ClinVar variation 838440 (VCV000838440.7), dbSNP rs1927580756, ClinGen allele CA412567749.